The following is an entry in ClinVar:

ClinVar aggregate classification (germline): Benign/Likely benign. Review status: criteria provided, multiple submitters, no conflicts (2 of 4 stars). 7 submissions from 7 submitters: Benign (2); Likely benign (5). Last evaluated 2026-02-03.

Conditions:
Hereditary cancer-predisposing syndrome. Also called: Hereditary Cancer Syndrome; Tumor predisposition; Neoplastic Syndromes, Hereditary; Hereditary neoplastic syndrome. Identifiers: Orphanet 140162, MedGen C0027672, MeSH D009386, MONDO:0015356.
Familial cancer of breast. Also called: hereditary breast carcinoma; BREAST CANCER, FAMILIAL; Hereditary breast cancer. Identifiers: Orphanet 227535, MedGen C0346153, MONDO:0016419, OMIM 114480. Disease mechanism: loss of function.
Ataxia-telangiectasia syndrome (AT). Also called: ATAXIA-TELANGIECTASIA, COMPLEMENTATION GROUP A; ATAXIA-TELANGIECTASIA, FRESNO VARIANT; Ataxia-telangiectasia; Ataxia-telangiectasia, complementation group E; Cerebello-oculocutaneous telangiectasia; Immunodeficiency with ataxia telangiectasia. Identifiers: Orphanet 100, MedGen C0004135, MONDO:0008840, OMIM 208900.

Allele frequency attached by ClinVar (database versions not stated): gnomAD exomes below 0.00001 and 0.00001; gnomAD 0.00002; ESP Exome Variant Server 0.00008.
gnomAD v4.1: 12 of 1,613,980 alleles (0.00074%); highest among the groups gnomAD compares: African/African-American, 0.0013%; no homozygotes.

Submissions (7):

Labcorp Genetics (formerly Invitae), Labcorp
Classification: Likely benign for Ataxia-telangiectasia syndrome. Last evaluated: 2026-02-03. Review status: criteria provided, single submitter. Criteria: Invitae Variant Classification Sherloc (09022015). Collection method: clinical testing. Allele origin: germline.

Blueprint Genetics
Classification: Likely benign. Last evaluated: 2024-08-21. Review status: criteria provided, single submitter. Criteria: ACMG Guidelines, 2015. Collection method: clinical testing. Allele origin: germline.

Myriad Genetics, Inc.
Classification: Benign for Familial cancer of breast. Last evaluated: 2024-06-12. Review status: criteria provided, single submitter. Criteria: Myriad Autosomal Dominant, Autosomal Recessive and X-Linked Classification Criteria (2023). Collection method: clinical testing. Allele origin: unknown.
Comment: This variant is considered benign. This variant is a silent/synonymous amino acid change and it is not expected to impact splicing.

ARUP Laboratories, Molecular Genetics and Genomics, ARUP Laboratories
Classification: Likely benign. Last evaluated: 2023-12-13. Review status: criteria provided, single submitter. Criteria: ARUP Molecular Germline Variant Investigation Process 2024. Collection method: clinical testing. Allele origin: germline.

Color Diagnostics, LLC DBA Color Health
Classification: Likely benign for Hereditary cancer-predisposing syndrome. Last evaluated: 2017-09-14. Review status: criteria provided, single submitter. Criteria: ACMG Guidelines, 2015. Collection method: clinical testing. Allele origin: germline.

GeneDx
Classification: Benign. Last evaluated: 2015-09-08. Review status: criteria provided, single submitter. Criteria: GeneDx Variant Classification (06012015). Collection method: clinical testing. Allele origin: germline. Affected: yes.
Comment: This variant is considered likely benign or benign based on one or more of the following criteria: it is a conservative change, it occurs at a poorly conserved position in the protein, it is predicted to be benign by multiple in silico algorithms, and/or has population frequency not consistent with disease.

Ambry Genetics
Classification: Likely benign for Hereditary cancer-predisposing syndrome. Last evaluated: 2014-10-23. Review status: criteria provided, single submitter. Criteria: Ambry Variant Classification Scheme 2023. Collection method: clinical testing. Allele origin: germline.

NM_000051.4(ATM):c.7038A>T (p.Ala2346=)

Genes: ATM (ATM serine/threonine kinase; plus strand), C11orf65 (chromosome 11 open reading frame 65; minus strand). Cytogenetic location: 11q22.3.
Variant type: single nucleotide variant.
Coding change: c.7038A>T on transcript NM_000051.4 (MANE Select); coding-DNA position 7038, A replaced by T.
Protein change: p.Ala2346=; no amino-acid change (alanine 2346 retained).
Molecular consequence: synonymous variant. On other transcripts: intron variant (2).
Genome position (GRCh38, 1-based): chr11:108,327,707, A>T. VCF-style: chr11-108327707-A-T. GRCh37 (hg19) VCF-style: chr11-108198434-A-T.
Other names: c.7038A>T, p.Ala2346= (NM_001351834.2); c.641-18636T>A (NM_001330368.2); c.*38+7513T>A (NM_001351110.2).
Identifiers: ClinVar variation 186841 (VCV000186841.21), dbSNP rs146167034, ClinGen allele CA196020.